The following is an entry in ClinVar:

ClinVar aggregate classification (germline): Benign/Likely benign. Review status: criteria provided, multiple submitters, no conflicts (2 of 4 stars). 8 submissions from 8 submitters: Benign (6); Likely benign (2). Last evaluated 2026-04-01.

Conditions:
Townes syndrome (TBS). Also called: Townes-Brocks syndrome. Identifiers: Orphanet 857, MedGen C0265246, MeSH C536974, MONDO:0007142.

Allele frequency attached by ClinVar (database versions not stated): gnomAD 0.00203 and 0.00200; gnomAD exomes 0.00227; TOPMed 0.00228; ESP Exome Variant Server 0.00277; 1000 Genomes Project 0.00140; 1000 Genomes Project 30x 0.00187; ExAC 0.00196.
gnomAD v4.1: 4,813 of 1,613,892 alleles (0.3%); highest among the groups gnomAD compares: Middle Eastern, 0.34%; 9 homozygotes.

Submissions (8):

CeGaT Center for Human Genetics Tuebingen
Classification: Likely benign. Last evaluated: 2026-04-01. Review status: criteria provided, single submitter. Criteria: CeGaT Center For Human Genetics Tuebingen Variant Classification Criteria Version 2. Collection method: clinical testing. Allele origin: germline. Affected: yes. Observed: 11 variant alleles.
Comment: SALL1: BP4, BS1

Labcorp Genetics (formerly Invitae), Labcorp
Classification: Benign for Townes syndrome. Last evaluated: 2026-01-27. Review status: criteria provided, single submitter. Criteria: Invitae Variant Classification Sherloc (09022015). Collection method: clinical testing. Allele origin: germline.

Blueprint Genetics
Classification: Likely benign. Last evaluated: 2024-11-14. Review status: criteria provided, single submitter. Criteria: ACMG Guidelines, 2015. Collection method: clinical testing. Allele origin: germline.

GeneDx
Classification: Benign. Last evaluated: 2019-02-12. Review status: criteria provided, single submitter. Criteria: GeneDx Variant Classification Process June 2021. Collection method: clinical testing. Allele origin: germline. Affected: yes.
Comment: This variant is associated with the following publications: (PMID: 24429398)

Athena Diagnostics
Classification: Benign. Last evaluated: 2018-07-31. Review status: criteria provided, single submitter. Criteria: Athena Diagnostics Criteria. Collection method: clinical testing. Allele origin: germline.

Center for Pediatric Genomic Medicine, Children's Mercy Hospital and Clinics
Classification: Benign. Last evaluated: 2016-08-19. Review status: criteria provided, single submitter. Criteria: ACMG Guidelines, 2015. Collection method: clinical testing. Allele origin: germline.

Breakthrough Genomics
Classification: Benign. Review status: criteria provided, single submitter. Criteria: ACMG Guidelines, 2015. Collection method: not provided. Allele origin: germline. Inheritance: Autosomal dominant inheritance. Affected: yes.

PreventionGenetics, part of Exact Sciences
Classification: Benign. Review status: criteria provided, single submitter. Criteria: ACMG Guidelines, 2015. Collection method: clinical testing. Allele origin: germline.

Literature cited by the submitters: PubMed 24429398 (cited by Athena Diagnostics).

NM_002968.3(SALL1):c.379G>C (p.Val127Leu)

Gene: SALL1 (spalt like transcription factor 1; minus strand). Cytogenetic location: 16q12.1.
Variant type: single nucleotide variant.
Coding change: c.379G>C on transcript NM_002968.3 (MANE Select); coding-DNA position 379, G replaced by C.
Protein change: p.Val127Leu; replaces valine 127 with leucine.
Molecular consequence: missense variant.
Genome position (GRCh38, 1-based): chr16:51,141,843, C>G on the plus strand (G>C on the coding strand, the complement: SALL1 is on the minus strand). VCF-style: chr16-51141843-C-G. GRCh37 (hg19) VCF-style: chr16-51175754-C-G.
Other names: c.88G>C, p.Val30Leu (NM_001127892.2); short protein forms V127L, V30L.
Identifiers: ClinVar variation 258870 (VCV000258870.47), dbSNP rs138635817, ClinGen allele CA8053504.